The following is an entry in ClinVar:

NM_018191.4(RCBTB1):c.1101A>G (p.Pro367=)

Gene: RCBTB1 (RCC1 and BTB domain containing protein 1; minus strand). Cytogenetic location: 13q14.2.
Variant type: single nucleotide variant.
Coding change: c.1101A>G on transcript NM_018191.4 (MANE Select); coding-DNA position 1101, A replaced by G.
Protein change: p.Pro367=; no amino-acid change (proline 367 retained).
Molecular consequence: synonymous variant. On other transcripts: non-coding transcript variant (2).
Genome position (GRCh38, 1-based): chr13:49,544,808, T>C on the plus strand (A>G on the coding strand, the complement: RCBTB1 is on the minus strand). VCF-style: chr13-49544808-T-C. GRCh37 (hg19) VCF-style: chr13-50118944-T-C.
Other names: c.1101A>G, p.Pro367= (NM_001352500.2, NM_001352501.2, NM_001352502.2 and 2 more transcripts); c.522A>G, p.Pro174= (NM_001352506.2).
Identifiers: ClinVar variation 740998 (VCV000740998.13), dbSNP rs148632653, ClinGen allele CA6982663.

ClinVar aggregate classification (germline): Likely benign. Review status: criteria provided, multiple submitters, no conflicts (2 of 4 stars). 3 submissions from 3 submitters: Likely benign (3). Last evaluated 2026-07-21.

Conditions:
RCBTB1-related disorder. Also called: RCBTB1-related condition.

Allele frequency attached by ClinVar (database versions not stated): ESP Exome Variant Server 0.00015; 1000 Genomes Project 30x 0.00031; 1000 Genomes Project 0.00040; gnomAD 0.00047 and 0.00052; TOPMed 0.00050; gnomAD exomes 0.00004 and 0.00009; ExAC 0.00010.
gnomAD v4.1: 134 of 1,611,276 alleles (0.0083%); highest among the groups gnomAD compares: African/African-American, 0.16%; 1 homozygote.

Submissions (3):

PreventionGenetics, part of Exact Sciences
Classification: Likely benign for RCBTB1-related condition. Last evaluated: 2026-07-21. Review status: criteria provided, single submitter. Criteria: ACMG Guidelines, 2015. Collection method: clinical testing. Allele origin: germline.
Comment: This variant is classified as likely benign based on ACMG/AMP sequence variant interpretation guidelines (Richards et al. 2015 PMID: 25741868, with internal and published modifications).

Labcorp Genetics (formerly Invitae), Labcorp
Classification: Likely benign. Last evaluated: 2025-11-03. Review status: criteria provided, single submitter. Criteria: Invitae Variant Classification Sherloc (09022015). Collection method: clinical testing. Allele origin: germline.

Blueprint Genetics
Classification: Likely benign. Last evaluated: 2024-08-12. Review status: criteria provided, single submitter. Criteria: ACMG Guidelines, 2015. Collection method: clinical testing. Allele origin: germline.